The following is an entry in ClinVar:

ClinVar aggregate classification (germline): Likely benign (1 of 4 stars; one submission).

Submission:

CeGaT Center for Human Genetics Tuebingen
Classification: Likely benign. Last evaluated: 2026-06-01. Review status: criteria provided, single submitter. Criteria: CeGaT Center For Human Genetics Tuebingen Variant Classification Criteria Version 2. Collection method: clinical testing. Allele origin: germline. Affected: yes. Observed: 1 variant allele.
Comment: ATP13A2: PM2:Supporting, BP4, BP7

NM_022089.4(ATP13A2):c.912A>G (p.Glu304=)

Gene: ATP13A2 (ATPase cation transporting 13A2; minus strand). Cytogenetic location: 1p36.13.
Variant type: single nucleotide variant.
Coding change: c.912A>G on transcript NM_022089.4 (MANE Select); coding-DNA position 912, A replaced by G.
Protein change: p.Glu304=; no amino-acid change (glutamic acid 304 retained).
Molecular consequence: synonymous variant.
Genome position (GRCh38, 1-based): chr1:17,000,138, T>C on the plus strand (A>G on the coding strand, the complement: ATP13A2 is on the minus strand). VCF-style: chr1-17000138-T-C. GRCh37 (hg19) VCF-style: chr1-17326633-T-C.
Other names: c.897A>G, p.Glu299= (NM_001141973.3, NM_001141974.3).
Identifiers: ClinVar variation 4875261 (VCV004875261.2).
Genomic context (GRCh38, chr1:17,000,138, plus strand): 5'-ACCCTCCTGGGGCAGCACCAGGCAGTCTCCGGGCACTAGCTCACTGGAGTCCACCCACTC[T>C]TCCTCTGCAGGCAGGCAGGAGAGGAGCTCAGCTAGGTGGGGCCAGCCCCAGCCATGCCCC-3'
Protein context (NP_071372.1, residues 294-314): RVCVCRPGGE[Glu304=]EWVDSSELVP